The following is an entry in ClinVar:

NM_012424.6(RPS6KC1):c.2692A>G (p.Arg898Gly)

Gene: RPS6KC1 (ribosomal protein S6 kinase C1; plus strand). Cytogenetic location: 1q32.3.
Variant type: single nucleotide variant.
Coding change: c.2692A>G on transcript NM_012424.6 (MANE Select); coding-DNA position 2692, A replaced by G.
Protein change: p.Arg898Gly; replaces arginine 898 with glycine.
Molecular consequence: missense variant. On other transcripts: non-coding transcript variant (4).
Genome position (GRCh38, 1-based): chr1:213,242,168, A>G. VCF-style: chr1-213242168-A-G. GRCh37 (hg19) VCF-style: chr1-213415511-A-G.
Other names: c.2656A>G, p.Arg886Gly (NM_001136138.4); c.2056A>G, p.Arg686Gly (NM_001287218.3, NM_001287219.3, NM_001349654.2); c.1297A>G, p.Arg433Gly (NM_001287220.3, NM_001349663.2, NM_001349664.2 and 8 more transcripts); c.2149A>G, p.Arg717Gly (NM_001287221.3, NM_001349648.2, NM_001349649.2 and 4 more transcripts); c.2599A>G, p.Arg867Gly (NM_001349646.2); c.2329A>G, p.Arg777Gly (NM_001349647.2); c.1801A>G, p.Arg601Gly (NM_001349657.2, NM_001349658.2); c.1636A>G, p.Arg546Gly (NM_001349659.2, NM_001349660.2, NM_001349661.2 and 1 more transcripts); short protein forms R433G, R686G, R717G, R886G, R601G, R898G, R546G, R777G.
Identifiers: ClinVar variation 2190643 (VCV002190643.4), dbSNP rs1054787801, ClinGen allele CA37278947.
Genomic context (GRCh38, chr1:213,242,168, plus strand): 5'-GGAGACAAGGAAATACATCAGATTTTTGAGGACCTTGATAAAAAATTAGCACTAGCCTCC[A>G]GGTTTTACATCCCAGAGGGCTGCATTCAAAGATGGGCAGCTGAAATGGTGGTAGCCCTTG-3'
Protein context (NP_036556.2, residues 888-908): DLDKKLALAS[Arg898Gly]FYIPEGCIQR

ClinVar aggregate classification (germline): Uncertain significance (1 of 4 stars; one submission).

Allele frequency attached by ClinVar (database versions not stated): TOPMed 0.00001.
gnomAD v4.1: 3 of 1,613,960 alleles (0.00019%); highest among the groups gnomAD compares: Admixed American, 0.005%; no homozygotes.

Submission:

Labcorp Genetics (formerly Invitae), Labcorp
Classification: Uncertain significance. Last evaluated: 2022-07-26. Review status: criteria provided, single submitter. Criteria: Invitae Variant Classification Sherloc (09022015). Collection method: clinical testing. Allele origin: germline.
Comment: In summary, the available evidence is currently insufficient to determine the role of this variant in disease. Therefore, it has been classified as a Variant of Uncertain Significance. Algorithms developed to predict the effect of missense changes on protein structure and function are either unavailable or do not agree on the potential impact of this missense change (SIFT: "Tolerated"; PolyPhen-2: "Probably Damaging"; Align-GVGD: "Class C0"). This sequence change replaces arginine, which is basic and polar, with glycine, which is neutral and non-polar, at codon 898 of the RPS6KC1 protein (p.Arg898Gly). This variant is present in population databases (no rsID available, gnomAD 0.009%). This variant has not been reported in the literature in individuals affected with RPS6KC1-related conditions.